The following is an entry in ClinVar:

ClinVar aggregate classification (germline): Uncertain significance (1 of 4 stars; one submission).

gnomAD v4.1: 9 of 1,613,806 alleles (0.00056%); highest among the groups gnomAD compares: Non-Finnish European, 0.00076%; no homozygotes.

Submission:

Labcorp Genetics (formerly Invitae), Labcorp
Classification: Uncertain significance. Last evaluated: 2025-04-23. Review status: criteria provided, single submitter. Criteria: Invitae Variant Classification Sherloc (09022015). Collection method: clinical testing. Allele origin: germline.
Comment: This sequence change replaces isoleucine, which is neutral and non-polar, with valine, which is neutral and non-polar, at codon 158 of the MYH3 protein (p.Ile158Val). This variant is not present in population databases (gnomAD no frequency). This variant has not been reported in the literature in individuals affected with MYH3-related conditions. Invitae Evidence Modeling of protein sequence and biophysical properties (such as structural, functional, and spatial information, amino acid conservation, physicochemical variation, residue mobility, and thermodynamic stability) indicates that this missense variant is not expected to disrupt MYH3 protein function with a negative predictive value of 95%. In summary, the available evidence is currently insufficient to determine the role of this variant in disease. Therefore, it has been classified as a Variant of Uncertain Significance.

NM_002470.4(MYH3):c.472A>G (p.Ile158Val)

Gene: MYH3 (myosin heavy chain 3; minus strand). Cytogenetic location: 17p13.1.
Variant type: single nucleotide variant.
Coding change: c.472A>G on transcript NM_002470.4 (MANE Select); coding-DNA position 472, A replaced by G.
Protein change: p.Ile158Val; replaces isoleucine 158 with valine.
Molecular consequence: missense variant.
Genome position (GRCh38, 1-based): chr17:10,651,545, T>C on the plus strand (A>G on the coding strand, the complement: MYH3 is on the minus strand). VCF-style: chr17-10651545-T-C. GRCh37 (hg19) VCF-style: chr17-10554862-T-C.
Other names: short protein forms I158V.
Identifiers: ClinVar variation 4706334 (VCV004706334.1).